The following is an entry in ClinVar:

ClinVar aggregate classification (germline): Uncertain significance. Review status: criteria provided, multiple submitters, no conflicts (2 of 4 stars). 2 submissions from 2 submitters: Uncertain significance (2). Last evaluated 2024-03-02.

Conditions:
Inborn genetic diseases. Identifiers: MedGen C0950123, MeSH D030342.

Allele frequency attached by ClinVar (database versions not stated): gnomAD exomes 0.00002; gnomAD 0.00003 and 0.00004; TOPMed 0.00003.

Submissions (2):

Labcorp Genetics (formerly Invitae), Labcorp
Classification: Uncertain significance. Last evaluated: 2024-03-02. Review status: criteria provided, single submitter. Criteria: Invitae Variant Classification Sherloc (09022015). Collection method: clinical testing. Allele origin: germline.
Comment: This sequence change replaces leucine, which is neutral and non-polar, with methionine, which is neutral and non-polar, at codon 1118 of the ATR protein (p.Leu1118Met). This variant is present in population databases (rs763118360, gnomAD 0.006%). This variant has not been reported in the literature in individuals affected with ATR-related conditions. ClinVar contains an entry for this variant (Variation ID: 1439907). An algorithm developed to predict the effect of missense changes on protein structure and function (PolyPhen-2) suggests that this variant is likely to be disruptive. In summary, the available evidence is currently insufficient to determine the role of this variant in disease. Therefore, it has been classified as a Variant of Uncertain Significance.

Ambry Genetics
Classification: Uncertain significance for Inborn genetic diseases. Last evaluated: 2022-12-18. Review status: criteria provided, single submitter. Criteria: Ambry Variant Classification Scheme 2023. Collection method: clinical testing. Allele origin: germline.
Comment: The p.L1118M variant (also known as c.3352C>A), located in coding exon 16 of the ATR gene, results from a C to A substitution at nucleotide position 3352. The leucine at codon 1118 is replaced by methionine, an amino acid with highly similar properties. This amino acid position is conserved. In addition, this alteration is predicted to be tolerated by in silico analysis. Since supporting evidence is limited at this time, the clinical significance of this alteration remains unclear.

NM_001184.4(ATR):c.3352C>A (p.Leu1118Met)

Gene: ATR (ATR checkpoint kinase; minus strand). Cytogenetic location: 3q23.
Variant type: single nucleotide variant.
Coding change: c.3352C>A on transcript NM_001184.4 (MANE Select); coding-DNA position 3352, C replaced by A.
Protein change: p.Leu1118Met; replaces leucine 1118 with methionine.
Molecular consequence: missense variant.
Genome position (GRCh38, 1-based): chr3:142,547,730, G>T on the plus strand (C>A on the coding strand, the complement: ATR is on the minus strand). VCF-style: chr3-142547730-G-T. GRCh37 (hg19) VCF-style: chr3-142266572-G-T.
Other names: c.3160C>A, p.Leu1054Met (NM_001354579.2); c.3352C>A (NM_001184.3); short protein forms L1054M, L1118M.
Identifiers: ClinVar variation 1439907 (VCV001439907.8), dbSNP rs763118360, ClinGen allele CA2650146.